The following is an entry in ClinVar:

NM_001927.4(DES):c.552C>T (p.Leu184=)

Gene: DES (desmin; plus strand). Cytogenetic location: 2q35.
Variant type: single nucleotide variant.
Coding change: c.552C>T on transcript NM_001927.4 (MANE Select); coding-DNA position 552, C replaced by T.
Protein change: p.Leu184=; no amino-acid change (leucine 184 retained).
Molecular consequence: synonymous variant.
Genome position (GRCh38, 1-based): chr2:219,419,014, C>T. VCF-style: chr2-219419014-C-T. GRCh37 (hg19) VCF-style: chr2-220283736-C-T.
Other names: c.552C>T (LRG_380t1).
Identifiers: ClinVar variation 508807 (VCV000508807.14), dbSNP rs1050510822, ClinGen allele CA65981348.

ClinVar aggregate classification (germline): Likely benign. Review status: criteria provided, multiple submitters, no conflicts (2 of 4 stars). 3 submissions from 3 submitters: Likely benign (3). Last evaluated 2026-01-27.

Conditions:
Desmin-related myofibrillar myopathy (MFM1). Also called: Desmin related myopathy (former name); Desmin storage myopathy (former name); Desminopathy; Myofibrillar myopathy 1; MYOFIBRILLAR MYOPATHY WITH ARRHYTHMOGENIC RIGHT VENTRICULAR CARDIOMYOPATHY; DESMIN-RELATED MYOPATHY WITH ARRHYTHMOGENIC RIGHT VENTRICULAR CARDIOMYOPATHY. Identifiers: Orphanet 363543, Orphanet 98909, MedGen C1832370, MONDO:0011076, OMIM 601419.
Cardiovascular phenotype. Identifiers: MedGen CN230736.

Allele frequency attached by ClinVar (database versions not stated): gnomAD 0.00001 and 0.00002; gnomAD exomes 0.00001 and 0.00002; TOPMed 0.00003.
gnomAD v4.1: 25 of 1,545,320 alleles (0.0016%); highest among the groups gnomAD compares: Non-Finnish European, 0.0021%; no homozygotes.

Submissions (3):

Labcorp Genetics (formerly Invitae), Labcorp
Classification: Likely benign for Desmin-related myofibrillar myopathy. Last evaluated: 2026-01-27. Review status: criteria provided, single submitter. Criteria: Invitae Variant Classification Sherloc (09022015). Collection method: clinical testing. Allele origin: germline.

Ambry Genetics
Classification: Likely benign for Cardiovascular phenotype. Last evaluated: 2019-01-31. Review status: criteria provided, single submitter. Criteria: Ambry Variant Classification Scheme 2023. Collection method: clinical testing. Allele origin: germline.

GeneDx
Classification: Likely benign. Last evaluated: 2017-04-14. Review status: criteria provided, single submitter. Criteria: GeneDx Variant Classification (06012015). Collection method: clinical testing. Allele origin: germline. Affected: yes.
Comment: This variant is considered likely benign or benign based on one or more of the following criteria: it is a conservative change, it occurs at a poorly conserved position in the protein, it is predicted to be benign by multiple in silico algorithms, and/or has population frequency not consistent with disease.